The following is an entry in ClinVar:

NM_006031.6(PCNT):c.8461C>T (p.Gln2821Ter)

Gene: PCNT (pericentrin; plus strand). Cytogenetic location: 21q22.3.
Variant type: single nucleotide variant.
Coding change: c.8461C>T on transcript NM_006031.6 (MANE Select); coding-DNA position 8461, C replaced by T.
Protein change: p.Gln2821Ter; replaces glutamine 2821 with a stop codon.
Molecular consequence: nonsense.
Genome position (GRCh38, 1-based): chr21:46,431,925, C>T. VCF-style: chr21-46431925-C-T. GRCh37 (hg19) VCF-style: chr21-47851839-C-T.
Other names: c.8107C>T, p.Gln2703Ter (NM_001315529.2); short protein forms Q2703*, Q2821*.
Identifiers: ClinVar variation 1901606 (VCV001901606.5), dbSNP rs2519011733, ClinGen allele CA410573241.
Genomic context (GRCh38, chr21:46,431,925, plus strand): 5'-GTGGTGGACTTGCAAGCGATGCTTGAAAAGGTGCAGCAGCAAGCCCTGCATTCTCAGCAG[C>T]AGCTTGAGGCTGAGGCTCAGAAGCACTGTGAGGCGCTCAGGAGAGAGAAGGAGGTAAGTG-3'

ClinVar aggregate classification (germline): Pathogenic (1 of 4 stars; one submission).

Submission:

Labcorp Genetics (formerly Invitae), Labcorp
Classification: Pathogenic. Last evaluated: 2022-05-12. Review status: criteria provided, single submitter. Criteria: Invitae Variant Classification Sherloc (09022015). Collection method: clinical testing. Allele origin: germline.
Comment: For these reasons, this variant has been classified as Pathogenic. This sequence change creates a premature translational stop signal (p.Gln2821*) in the PCNT gene. It is expected to result in an absent or disrupted protein product. Loss-of-function variants in PCNT are known to be pathogenic (PMID: 18174396, 22821869). This variant is not present in population databases (gnomAD no frequency). This variant has not been reported in the literature in individuals affected with PCNT-related conditions. Algorithms developed to predict the effect of sequence changes on RNA splicing suggest that this variant may disrupt the consensus splice site.

Literature cited by the submitters: PubMed 18174396; PubMed 22821869.